The following is an entry in ClinVar:

NM_139057.4(ADAMTS17):c.2954C>T (p.Ser985Leu)

Gene: ADAMTS17 (ADAM metallopeptidase with thrombospondin type 1 motif 17; minus strand). Cytogenetic location: 15q26.3.
Variant type: single nucleotide variant.
Coding change: c.2954C>T on transcript NM_139057.4 (MANE Select); coding-DNA position 2954, C replaced by T.
Protein change: p.Ser985Leu; replaces serine 985 with leucine.
Molecular consequence: missense variant.
Genome position (GRCh38, 1-based): chr15:99,976,218, G>A on the plus strand (C>T on the coding strand, the complement: ADAMTS17 is on the minus strand). VCF-style: chr15-99976218-G-A. GRCh37 (hg19) VCF-style: chr15-100516423-G-A.
Other names: short protein forms S985L.
Identifiers: ClinVar variation 2082861 (VCV002082861.5), dbSNP rs1353227852, ClinGen allele CA393692917.

ClinVar aggregate classification (germline): Uncertain significance. Review status: criteria provided, multiple submitters, no conflicts (2 of 4 stars). 2 submissions from 2 submitters: Uncertain significance (2). Last evaluated 2025-12-15.

Conditions:
Inborn genetic diseases. Identifiers: MedGen C0950123, MeSH D030342.

Allele frequency attached by ClinVar (database versions not stated): gnomAD 0.00001; TOPMed 0.00001.
gnomAD v4.1: 24 of 1,544,810 alleles (0.0016%); highest among the groups gnomAD compares: Admixed American, 0.002%; no homozygotes.

Submissions (2):

Ambry Genetics
Classification: Uncertain significance for Inborn genetic diseases. Last evaluated: 2025-12-15. Review status: criteria provided, single submitter. Criteria: Ambry Variant Classification Scheme 2023. Collection method: clinical testing. Allele origin: germline.

Labcorp Genetics (formerly Invitae), Labcorp
Classification: Uncertain significance. Last evaluated: 2022-11-01. Review status: criteria provided, single submitter. Criteria: Invitae Variant Classification Sherloc (09022015). Collection method: clinical testing. Allele origin: germline.
Comment: The frequency data for this variant in the population databases is considered unreliable, as metrics indicate poor data quality at this position in the gnomAD database. This sequence change replaces serine, which is neutral and polar, with leucine, which is neutral and non-polar, at codon 985 of the ADAMTS17 protein (p.Ser985Leu). This variant has not been reported in the literature in individuals affected with ADAMTS17-related conditions. Algorithms developed to predict the effect of missense changes on protein structure and function are either unavailable or do not agree on the potential impact of this missense change (SIFT: "Not Available"; PolyPhen-2: "Probably Damaging"; Align-GVGD: "Not Available"). In summary, the available evidence is currently insufficient to determine the role of this variant in disease. Therefore, it has been classified as a Variant of Uncertain Significance.